The following is an entry in ClinVar:

NM_001843.4(CNTN1):c.812C>T (p.Pro271Leu)

Gene: CNTN1 (contactin 1; plus strand). Cytogenetic location: 12q12.
Variant type: single nucleotide variant.
Coding change: c.812C>T on transcript NM_001843.4 (MANE Select); coding-DNA position 812, C replaced by T.
Protein change: p.Pro271Leu; replaces proline 271 with leucine.
Molecular consequence: missense variant.
Genome position (GRCh38, 1-based): chr12:40,933,705, C>T. VCF-style: chr12-40933705-C-T. GRCh37 (hg19) VCF-style: chr12-41327507-C-T.
Other names: c.812C>T, p.Pro271Leu (NM_001256063.2, NM_001256064.2); c.779C>T, p.Pro260Leu (NM_175038.2); short protein forms P271L, P260L.
Identifiers: ClinVar variation 567747 (VCV000567747.8), dbSNP rs1158555477, ClinGen allele CA384423165.

ClinVar aggregate classification (germline): Uncertain significance (1 of 4 stars; one submission).

Conditions:
Compton-North congenital myopathy (CMYO12). Identifiers: Orphanet 210163, MedGen C2675527, MONDO:0012929, OMIM 612540.

Allele frequency attached by ClinVar (database versions not stated): gnomAD exomes below 0.00001 and 0.00001.
gnomAD v4.1: 7 of 1,612,540 alleles (0.00043%); highest among the groups gnomAD compares: South Asian, 0.0022%; 1 homozygote.

Submission:

Labcorp Genetics (formerly Invitae), Labcorp
Classification: Uncertain significance for Compton-North congenital myopathy. Last evaluated: 2022-08-23. Review status: criteria provided, single submitter. Criteria: Invitae Variant Classification Sherloc (09022015). Collection method: clinical testing. Allele origin: germline.
Comment: Advanced modeling of protein sequence and biophysical properties (such as structural, functional, and spatial information, amino acid conservation, physicochemical variation, residue mobility, and thermodynamic stability) performed at Invitae indicates that this missense variant is expected to disrupt CNTN1 protein function. In summary, the available evidence is currently insufficient to determine the role of this variant in disease. Therefore, it has been classified as a Variant of Uncertain Significance. ClinVar contains an entry for this variant (Variation ID: 567747). This sequence change replaces proline, which is neutral and non-polar, with leucine, which is neutral and non-polar, at codon 271 of the CNTN1 protein (p.Pro271Leu). This variant is present in population databases (no rsID available, gnomAD 0.0009%). This variant has not been reported in the literature in individuals affected with CNTN1-related conditions.